The following is an entry in ClinVar:

ClinVar aggregate classification (germline): Uncertain significance. Review status: criteria provided, multiple submitters, no conflicts (2 of 4 stars). 2 submissions from 2 submitters: Uncertain significance (2). Last evaluated 2022-04-11.

Conditions:
Sneddon syndrome (SNDNS). Also called: Idiopathic livedo reticularis with systemic involvement; LIVEDO RETICULARIS AND CEREBROVASCULAR ACCIDENTS. Identifiers: Orphanet 820, MedGen C0282492, MONDO:0008436, OMIM 182410.
Deficiency of adenosine deaminase 2. Also called: VASCULITIS, AUTOINFLAMMATION, IMMUNODEFICIENCY, AND HEMATOLOGIC DEFECTS SYNDROME; Polyarteritis nodosa, childhoood-onset; Adenosine Deaminase 2 Deficiency. Identifiers: Orphanet 404553, MedGen C3887654, MONDO:0014306, OMIM 615688, MONDO:0100317.

Allele frequency attached by ClinVar (database versions not stated): gnomAD 0.00001; gnomAD exomes 0.00002.
gnomAD v4.1: 10 of 1,614,032 alleles (0.00062%); highest among the groups gnomAD compares: Admixed American, 0.0083%; no homozygotes.

Submissions (2):

Labcorp Genetics (formerly Invitae), Labcorp
Classification: Uncertain significance for Deficiency of adenosine deaminase 2. Last evaluated: 2022-04-11. Review status: criteria provided, single submitter. Criteria: Invitae Variant Classification Sherloc (09022015). Collection method: clinical testing. Allele origin: germline.
Comment: This sequence change replaces glycine, which is neutral and non-polar, with alanine, which is neutral and non-polar, at codon 450 of the ADA2 protein (p.Gly450Ala). This variant is present in population databases (no rsID available, gnomAD 0.007%). This variant has not been reported in the literature in individuals affected with ADA2-related conditions. Algorithms developed to predict the effect of missense changes on protein structure and function are either unavailable or do not agree on the potential impact of this missense change (SIFT: "Tolerated"; PolyPhen-2: "Possibly Damaging"; Align-GVGD: "Class C0"). In summary, the available evidence is currently insufficient to determine the role of this variant in disease. Therefore, it has been classified as a Variant of Uncertain Significance.

Fulgent Genetics
Classification: Uncertain significance for Sneddon syndrome; Deficiency of adenosine deaminase 2. Last evaluated: 2022-04-07. Review status: criteria provided, single submitter. Criteria: ACMG Guidelines, 2015. Collection method: clinical testing. Allele origin: unknown.

NM_001282225.2(ADA2):c.1349G>C (p.Gly450Ala)

Gene: ADA2 (adenosine deaminase 2; minus strand). Cytogenetic location: 22q11.1.
Variant type: single nucleotide variant.
Coding change: c.1349G>C on transcript NM_001282225.2 (MANE Select); coding-DNA position 1349, G replaced by C.
Protein change: p.Gly450Ala; replaces glycine 450 with alanine.
Molecular consequence: missense variant.
Genome position (GRCh38, 1-based): chr22:17,181,913, C>G on the plus strand (G>C on the coding strand, the complement: ADA2 is on the minus strand). VCF-style: chr22-17181913-C-G. GRCh37 (hg19) VCF-style: chr22-17662803-C-G.
Other names: c.1349G>C, p.Gly450Ala (NM_001282226.2); c.1223G>C, p.Gly408Ala (NM_001282227.2, NM_001282228.2); c.989G>C, p.Gly330Ala (NM_001282229.2); c.626G>C, p.Gly209Ala (NM_177405.3); short protein forms G330A, G408A, G209A, G450A.
Identifiers: ClinVar variation 1407371 (VCV001407371.4), dbSNP rs771622323, ClinGen allele CA321169659.